The following is an entry in ClinVar:

ClinVar aggregate classification (germline): Uncertain significance (1 of 4 stars; one submission).

Conditions:
Multiple congenital anomalies-hypotonia-seizures syndrome 1 (MCAHS1). Also called: GLYCOSYLPHOSPHATIDYLINOSITOL BIOSYNTHESIS DEFECT 3; PIGN-CDG; Congenital disorder of glycosylation due to PIGN deficiency. Identifiers: Orphanet 280633, MedGen C3279775, MONDO:0013563, OMIM 614080.

Allele frequency attached by ClinVar (database versions not stated): TOPMed below 0.00001.
gnomAD v4.1: 3 of 1,612,812 alleles (0.00019%); highest among the groups gnomAD compares: Non-Finnish European, 0.00025%; no homozygotes.

Submission:

Labcorp Genetics (formerly Invitae), Labcorp
Classification: Uncertain significance for Multiple congenital anomalies-hypotonia-seizures syndrome 1. Last evaluated: 2024-10-30. Review status: criteria provided, single submitter. Criteria: Invitae Variant Classification Sherloc (09022015). Collection method: clinical testing. Allele origin: germline.
Comment: This sequence change replaces alanine, which is neutral and non-polar, with aspartic acid, which is acidic and polar, at codon 503 of the PIGN protein (p.Ala503Asp). This variant is present in population databases (no rsID available, gnomAD 0.0009%). This variant has not been reported in the literature in individuals affected with PIGN-related conditions. ClinVar contains an entry for this variant (Variation ID: 2062409). Invitae Evidence Modeling of protein sequence and biophysical properties (such as structural, functional, and spatial information, amino acid conservation, physicochemical variation, residue mobility, and thermodynamic stability) indicates that this missense variant is not expected to disrupt PIGN protein function with a negative predictive value of 80%. In summary, the available evidence is currently insufficient to determine the role of this variant in disease. Therefore, it has been classified as a Variant of Uncertain Significance.

NM_176787.5(PIGN):c.1508C>A (p.Ala503Asp)

Gene: PIGN (phosphatidylinositol glycan anchor biosynthesis class N; minus strand). Cytogenetic location: 18q21.33.
Variant type: single nucleotide variant.
Coding change: c.1508C>A on transcript NM_176787.5 (MANE Select); coding-DNA position 1508, C replaced by A.
Protein change: p.Ala503Asp; replaces alanine 503 with aspartic acid.
Molecular consequence: missense variant.
Genome position (GRCh38, 1-based): chr18:62,109,900, G>T on the plus strand (C>A on the coding strand, the complement: PIGN is on the minus strand). VCF-style: chr18-62109900-G-T. GRCh37 (hg19) VCF-style: chr18-59777133-G-T.
Other names: c.1508C>A, p.Ala503Asp (NM_012327.6); short protein forms A503D.
Identifiers: ClinVar variation 2062409 (VCV002062409.3), dbSNP rs1422620353, ClinGen allele CA402605483.